The following is an entry in ClinVar:

ClinVar aggregate classification (germline): Likely benign. Review status: criteria provided, multiple submitters, no conflicts (2 of 4 stars). 5 submissions from 5 submitters: Likely benign (4). 1 of the submissions does not count toward it. Last evaluated 2025-12-17.

Conditions:
Baraitser-Winter syndrome 1 (BRWS1). Also called: PACHYGYRIA, MENTAL RETARDATION, EPILEPSY, AND CHARACTERISTIC FACIES; MENTAL RETARDATION WITH EPILEPSY AND CHARACTERISTIC FACIES; Cerebrofrontofacial syndrome; BARAITSER-WINTER SYNDROME 1, ATYPICAL. Identifiers: Orphanet 2649, Orphanet 2995, MedGen C1855722, MONDO:0009470, OMIM 243310.
ACTB-related disorder. Also called: ACTB-related disorders; ACTB-related condition.

Allele frequency attached by ClinVar (database versions not stated): gnomAD 0.00001 and 0.00003; TOPMed 0.00003.
gnomAD v4.1: 49 of 1,613,928 alleles (0.003%); highest among the groups gnomAD compares: Middle Eastern, 0.016%; no homozygotes.

Submissions (5):

Labcorp Genetics (formerly Invitae), Labcorp
Classification: Likely benign for Baraitser-Winter syndrome 1. Last evaluated: 2025-12-17. Review status: criteria provided, single submitter. Criteria: Invitae Variant Classification Sherloc (09022015). Collection method: clinical testing. Allele origin: germline.

Women's Health and Genetics/Laboratory Corporation of America, LabCorp
Classification: Likely benign. Last evaluated: 2025-02-19. Review status: criteria provided, single submitter. Criteria: LabCorp Variant Classification Summary - May 2015. Collection method: clinical testing. Allele origin: germline.

Blueprint Genetics
Classification: Likely benign. Last evaluated: 2024-10-23. Review status: criteria provided, single submitter. Criteria: ACMG Guidelines, 2015. Collection method: clinical testing. Allele origin: germline.

CeGaT Center for Human Genetics Tuebingen
Classification: Likely benign. Last evaluated: 2023-12-01. Review status: criteria provided, single submitter. Criteria: CeGaT Center For Human Genetics Tuebingen Variant Classification Criteria Version 2. Collection method: clinical testing. Allele origin: germline. Affected: yes. Observed: 1 variant allele.
Comment: ACTB: BP4, BP7

PreventionGenetics, part of Exact Sciences
Classification: Likely benign for ACTB-related condition. Last evaluated: 2019-09-17. Review status: no assertion criteria provided. Collection method: clinical testing. Allele origin: germline. Not counted in ClinVar's aggregate classification.
Comment: This variant is classified as likely benign based on ACMG/AMP sequence variant interpretation guidelines (Richards et al. 2015 PMID: 25741868, with internal and published modifications).

NM_001101.5(ACTB):c.198C>T (p.Thr66=)

Gene: ACTB (actin beta; minus strand). Cytogenetic location: 7p22.1.
Variant type: single nucleotide variant.
Coding change: c.198C>T on transcript NM_001101.5 (MANE Select); coding-DNA position 198, C replaced by T.
Protein change: p.Thr66=; no amino-acid change (threonine 66 retained).
Molecular consequence: synonymous variant.
Genome position (GRCh38, 1-based): chr7:5,529,326, G>A on the plus strand (C>T on the coding strand, the complement: ACTB is on the minus strand). VCF-style: chr7-5529326-G-A. GRCh37 (hg19) VCF-style: chr7-5568957-G-A.
Other names: c.198C>T (LRG_132t1).
Identifiers: ClinVar variation 534591 (VCV000534591.36), dbSNP rs750565033, ClinGen allele CA4147126.